The following is an entry in ClinVar:

ClinVar aggregate classification (germline): Likely benign (1 of 4 stars; one submission).

Allele frequency attached by ClinVar (database versions not stated): 1000 Genomes Project 0.00040; 1000 Genomes Project 30x 0.00047; TOPMed 0.00100; gnomAD 0.00119; gnomAD exomes 0.00162.

Submission:

CeGaT Center for Human Genetics Tuebingen
Classification: Likely benign. Last evaluated: 2023-09-01. Review status: criteria provided, single submitter. Criteria: CeGaT Center For Human Genetics Tuebingen Variant Classification Criteria Version 2. Collection method: clinical testing. Allele origin: germline. Affected: yes. Observed: 1 variant allele.
Comment: MYC: BS1

NM_002467.6(MYC):c.-263G>A

Gene: MYC (MYC proto-oncogene, bHLH transcription factor; plus strand). Cytogenetic location: 8q24.21.
Variant type: single nucleotide variant.
Coding change: c.-263G>A on transcript NM_002467.6 (MANE Select); 263 bases upstream of the start codon, G replaced by A.
Molecular consequence: 5 prime UTR variant.
Genome position (GRCh38, 1-based): chr8:127,736,331, G>A. VCF-style: chr8-127736331-G-A. GRCh37 (hg19) VCF-style: chr8-128748577-G-A.
Other names: c.-263G>A (NM_001354870.1).
Identifiers: ClinVar variation 2658810 (VCV002658810.24), dbSNP rs527300420, ClinGen allele CA185776782.